The following is an entry in ClinVar:

ClinVar aggregate classification (germline): Uncertain significance (1 of 4 stars; one submission).

Conditions:
Short-rib thoracic dysplasia 6 with or without polydactyly (SRTD6). Also called: SHORT RIB-POLYDACTYLY SYNDROME, TYPE IIA; Majewski Syndrome; SHORT-RIB THORACIC DYSPLASIA 6 WITH POLYDACTYLY; SHORT-RIB THORACIC DYSPLASIA 6 WITHOUT POLYDACTYLY; POLYDACTYLY WITH NEONATAL CHONDRODYSTROPHY, TYPE II. Identifiers: MedGen C0024507, MONDO:0009894, OMIM 263520.

Submission:

Labcorp Genetics (formerly Invitae), Labcorp
Classification: Uncertain significance for Short-rib thoracic dysplasia 6 with or without polydactyly. Last evaluated: 2024-07-27. Review status: criteria provided, single submitter. Criteria: Invitae Variant Classification Sherloc (09022015). Collection method: clinical testing. Allele origin: germline.
Comment: This sequence change replaces glutamine, which is neutral and polar, with arginine, which is basic and polar, at codon 452 of the NEK1 protein (p.Gln452Arg). This variant is not present in population databases (gnomAD no frequency). This variant has not been reported in the literature in individuals affected with NEK1-related conditions. Advanced modeling of protein sequence and biophysical properties (such as structural, functional, and spatial information, amino acid conservation, physicochemical variation, residue mobility, and thermodynamic stability) performed at Invitae indicates that this missense variant is not expected to disrupt NEK1 protein function with a negative predictive value of 95%. In summary, the available evidence is currently insufficient to determine the role of this variant in disease. Therefore, it has been classified as a Variant of Uncertain Significance.

NM_001199397.3(NEK1):c.1355A>G (p.Gln452Arg)

Gene: NEK1 (NIMA related kinase 1; minus strand). Cytogenetic location: 4q33.
Variant type: single nucleotide variant.
Coding change: c.1355A>G on transcript NM_001199397.3 (MANE Select); coding-DNA position 1355, A replaced by G.
Protein change: p.Gln452Arg; replaces glutamine 452 with arginine.
Molecular consequence: missense variant. On other transcripts: non-coding transcript variant (1).
Genome position (GRCh38, 1-based): chr4:169,556,007, T>C on the plus strand (A>G on the coding strand, the complement: NEK1 is on the minus strand). VCF-style: chr4-169556007-T-C. GRCh37 (hg19) VCF-style: chr4-170477158-T-C.
Other names: c.1355A>G, p.Gln452Arg (NM_001199398.3, NM_001199400.3, NM_001374418.1 and 2 more transcripts); c.1280A>G, p.Gln427Arg (NM_001199399.3); c.1304A>G, p.Gln435Arg (NM_001374420.1); c.1229A>G, p.Gln410Arg (NM_001374421.1); short protein forms Q410R, Q427R, Q435R, Q452R.
Identifiers: ClinVar variation 3616954 (VCV003616954.2).